The following is an entry in ClinVar:

NM_006885.4(ZFHX3):c.77_80del (p.Glu26fs)

Gene: ZFHX3 (zinc finger homeobox 3; minus strand). Cytogenetic location: 16q22.3.
Variant type: Deletion.
Coding change: c.77_80del on transcript NM_006885.4 (MANE Select); coding-DNA positions 77 to 80, 4 bases deleted (AACT; older notation c.77_80delAACT).
Protein change: p.Glu26fs; shifts the reading frame from glutamic acid 26.
Molecular consequence: frameshift variant. On other transcripts: intron variant (1).
Genome position (GRCh38, 1-based): chr16:72,960,066-72,960,069, AGTT deleted on the plus strand (AACT on the coding strand, the reverse complement: ZFHX3 is on the minus strand). VCF-style (leftmost placement, unchanged base first): chr16-72960065-GAGTT-G. GRCh37 (hg19) VCF-style: chr16-72993964-GAGTT-G.
Other names: c.77_80del, p.Glu26fs (NM_001386735.1); c.-23-9104_-23-9101del (NM_001164766.2); short protein forms E26fs.
Identifiers: ClinVar variation 3343044 (VCV003343044.1).

ClinVar aggregate classification (germline): Uncertain significance (1 of 4 stars; one submission).

Submission:

GeneDx
Classification: Uncertain significance. Last evaluated: 2023-04-10. Review status: criteria provided, single submitter. Criteria: GeneDx Variant Classification Process June 2021. Collection method: clinical testing. Allele origin: germline. Affected: yes.
Comment: Not observed at significant frequency in large population cohorts (gnomAD); Frameshift variant predicted to result in protein truncation or nonsense mediated decay in a gene or region of a gene for which loss of function is not a well-established mechanism of disease; Has not been previously published as pathogenic or benign to our knowledge; Variants in candidate genes are classified as variants of uncertain significance in accordance with ACMG guidelines (Richards et al., 2015)